The following is an entry in ClinVar:

NM_014920.5(CILK1):c.1125A>G (p.Pro375=)

Gene: CILK1 (ciliogenesis associated kinase 1; minus strand). Cytogenetic location: 6p12.1.
Variant type: single nucleotide variant.
Coding change: c.1125A>G on transcript NM_014920.5 (MANE Select); coding-DNA position 1125, A replaced by G.
Protein change: p.Pro375=; no amino-acid change (proline 375 retained).
Molecular consequence: synonymous variant. On other transcripts: non-coding transcript variant (1).
Genome position (GRCh38, 1-based): chr6:53,013,689, T>C on the plus strand (A>G on the coding strand, the complement: CILK1 is on the minus strand). VCF-style: chr6-53013689-T-C. GRCh37 (hg19) VCF-style: chr6-52878487-T-C.
Other names: c.1125A>G, p.Pro375= (NM_001375397.1, NM_001375398.1, NM_001375399.1 and 4 more transcripts); c.1125A>G (NM_016513.4).
Identifiers: ClinVar variation 1138341 (VCV001138341.13), dbSNP rs143740030, ClinGen allele CA3858627.

ClinVar aggregate classification (germline): Likely benign. Review status: criteria provided, multiple submitters, no conflicts (2 of 4 stars). 3 submissions from 3 submitters: Likely benign (2). 1 of the submissions does not count toward it. Last evaluated 2025-07-03.

Conditions:
CILK1-related disorder. Also called: CILK1-related condition.

Allele frequency attached by ClinVar (database versions not stated): gnomAD exomes 0.00003 and 0.00010; ExAC 0.00013; 1000 Genomes Project 30x 0.00031; TOPMed 0.00037; 1000 Genomes Project 0.00040; gnomAD 0.00042 and 0.00044; ESP Exome Variant Server 0.00054.
gnomAD v4.1: 118 of 1,614,034 alleles (0.0073%); highest among the groups gnomAD compares: African/African-American, 0.14%; no homozygotes.

Submissions (3):

Women's Health and Genetics/Laboratory Corporation of America, LabCorp
Classification: Likely benign. Last evaluated: 2025-07-03. Review status: criteria provided, single submitter. Criteria: LabCorp Variant Classification Summary - May 2015. Collection method: clinical testing. Allele origin: germline.
Comment: Variant summary: CILK1 c.1125A>G alters a conserved nucleotide resulting in a synonymous change. Consensus agreement among computation tools predict no significant impact on normal splicing. However, these predictions have yet to be confirmed by functional studies. The variant allele was found at a frequency of 0.00013 in 281214 control chromosomes. This frequency is not significantly higher than estimated for a pathogenic variant in CILK1 causing CILK1-Related Disorders, allowing no conclusion about variant significance. To our knowledge, no occurrence of c.1125A>G in individuals affected with CILK1-Related Disorders and no experimental evidence demonstrating its impact on protein function have been reported. ClinVar contains an entry for this variant (Variation ID: 1138341). Based on the evidence outlined above, the variant was classified as likely benign.

Labcorp Genetics (formerly Invitae), Labcorp
Classification: Likely benign. Last evaluated: 2025-05-21. Review status: criteria provided, single submitter. Criteria: Invitae Variant Classification Sherloc (09022015). Collection method: clinical testing. Allele origin: germline.

PreventionGenetics, part of Exact Sciences
Classification: Likely benign for CILK1-related condition. Last evaluated: 2019-11-01. Review status: no assertion criteria provided. Collection method: clinical testing. Allele origin: germline. Not counted in ClinVar's aggregate classification.
Comment: This variant is classified as likely benign based on ACMG/AMP sequence variant interpretation guidelines (Richards et al. 2015 PMID: 25741868, with internal and published modifications).